The following is an entry in ClinVar:

ClinVar aggregate classification (germline): Uncertain significance (1 of 4 stars; one submission).

Allele frequency attached by ClinVar (database versions not stated): gnomAD exomes below 0.00001.
gnomAD v4.1: 1 of 1,614,146 alleles (0.000062%); highest among the groups gnomAD compares: Admixed American, 0.0017%; no homozygotes.

Submission:

Labcorp Genetics (formerly Invitae), Labcorp
Classification: Uncertain significance. Last evaluated: 2024-12-02. Review status: criteria provided, single submitter. Criteria: Invitae Variant Classification Sherloc (09022015). Collection method: clinical testing. Allele origin: germline.
Comment: This sequence change replaces arginine, which is basic and polar, with lysine, which is basic and polar, at codon 183 of the TPP1 protein (p.Arg183Lys). This variant is not present in population databases (gnomAD no frequency). This variant has not been reported in the literature in individuals affected with TPP1-related conditions. ClinVar contains an entry for this variant (Variation ID: 1017481). Invitae Evidence Modeling of protein sequence and biophysical properties (such as structural, functional, and spatial information, amino acid conservation, physicochemical variation, residue mobility, and thermodynamic stability) indicates that this missense variant is not expected to disrupt TPP1 protein function with a negative predictive value of 95%. In summary, the available evidence is currently insufficient to determine the role of this variant in disease. Therefore, it has been classified as a Variant of Uncertain Significance.

NM_000391.4(TPP1):c.548G>A (p.Arg183Lys)

Gene: TPP1 (tripeptidyl peptidase 1; minus strand). Cytogenetic location: 11p15.4.
Variant type: single nucleotide variant.
Coding change: c.548G>A on transcript NM_000391.4 (MANE Select); coding-DNA position 548, G replaced by A.
Protein change: p.Arg183Lys; replaces arginine 183 with lysine.
Molecular consequence: missense variant.
Genome position (GRCh38, 1-based): chr11:6,617,114, C>T on the plus strand (G>A on the coding strand, the complement: TPP1 is on the minus strand). VCF-style: chr11-6617114-C-T. GRCh37 (hg19) VCF-style: chr11-6638345-C-T.
Other names: short protein forms R183K.
Identifiers: ClinVar variation 1017481 (VCV001017481.9), dbSNP rs573539804, ClinGen allele CA379475589.